The following is an entry in ClinVar:

ClinVar aggregate classification (germline): Uncertain significance (1 of 4 stars; one submission).

Conditions:
Inborn genetic diseases. Identifiers: MedGen C0950123, MeSH D030342.

Submission:

Ambry Genetics
Classification: Uncertain significance for Inborn genetic diseases. Last evaluated: 2023-11-30. Review status: criteria provided, single submitter. Criteria: Ambry Variant Classification Scheme 2023. Collection method: clinical testing. Allele origin: germline.
Comment: The p.F1479L variant (also known as c.4437C>G), located in coding exon 31 of the LRRK2 gene, results from a C to G substitution at nucleotide position 4437. The phenylalanine at codon 1479 is replaced by leucine, an amino acid with highly similar properties. This amino acid position is conserved. In addition, the in silico prediction for this alteration is inconclusive. Since supporting evidence is limited at this time, the clinical significance of this alteration remains unclear.

NM_198578.4(LRRK2):c.4437C>G (p.Phe1479Leu)

Gene: LRRK2 (leucine rich repeat kinase 2; plus strand). Cytogenetic location: 12q12.
Variant type: single nucleotide variant.
Coding change: c.4437C>G on transcript NM_198578.4 (MANE Select); coding-DNA position 4437, C replaced by G.
Protein change: p.Phe1479Leu; replaces phenylalanine 1479 with leucine.
Molecular consequence: missense variant.
Genome position (GRCh38, 1-based): chr12:40,310,550, C>G. VCF-style: chr12-40310550-C-G. GRCh37 (hg19) VCF-style: chr12-40704352-C-G.
Other names: short protein forms F1479L.
Identifiers: ClinVar variation 3229651 (VCV003229651.1), dbSNP rs2499827739, ClinGen allele CA384418504.